The following is an entry in ClinVar:

ClinVar aggregate classification (germline): Conflicting classifications of pathogenicity. Review status: criteria provided, conflicting classifications (1 of 4 stars). 7 submissions from 7 submitters: Uncertain significance (2); Likely benign (4). 1 of the submissions does not count toward it. Last evaluated 2026-02-09.

Conditions:
PLEC-related disorder. Also called: PLEC-related disorders; PLEC-related condition.
Epidermolysis bullosa simplex, Ogna type (EBS5A). Also called: Pidermolysis bullosa simplex 5A, Ogna type; EPIDERMOLYSIS BULLOSA SIMPLEX 5A, OGNA TYPE. Identifiers: Orphanet 79401, MedGen C0432317, MONDO:0007555, OMIM 131950.
Epidermolysis bullosa simplex 5B, with muscular dystrophy (EBS5B). Also called: Epidermolysis bullosa simplex with muscular dystrophy; EPIDERMOLYSIS BULLOSA SIMPLEX AND LIMB-GIRDLE MUSCULAR DYSTROPHY. Identifiers: Orphanet 257, MedGen C2931072, MONDO:0009181, OMIM 226670.
Autosomal recessive limb-girdle muscular dystrophy type 2Q (LGMDR17). Also called: MUSCULAR DYSTROPHY, LIMB-GIRDLE, AUTOSOMAL RECESSIVE 17. Identifiers: Orphanet 254361, MedGen C3150989, MONDO:0013390, OMIM 613723.
Epidermolysis bullosa simplex 5C, with pyloric atresia (EBS5C). Also called: PLEC-Related Epidermolysis Bullosa with Pyloric Atresia; Epidermolysis bullosa simplex with pyloric atresia; PLEC1-Related Epidermolysis Bullosa with Pyloric Atresia. Identifiers: Orphanet 158684, MedGen C2677349, MONDO:0012807, OMIM 612138.
Epidermolysis bullosa simplex with nail dystrophy (EBS5D). Identifiers: MedGen C4225309, MONDO:0014661, OMIM 616487.

Allele frequency attached by ClinVar (database versions not stated): gnomAD 0.00059 and 0.00056; TOPMed 0.00070; ExAC 0.00024; gnomAD exomes 0.00018; ESP Exome Variant Server 0.00024; 1000 Genomes Project 0.00100; 1000 Genomes Project 30x 0.00109.
gnomAD v4.1: 188 of 1,606,742 alleles (0.012%); highest among the groups gnomAD compares: African/African-American, 0.24%; no homozygotes.

Submissions (7):

Women's Health and Genetics/Laboratory Corporation of America, LabCorp
Classification: Uncertain significance. Last evaluated: 2026-02-09. Review status: criteria provided, single submitter. Criteria: LabCorp Variant Classification Summary - May 2015. Collection method: clinical testing. Allele origin: germline.
Comment: Variant summary: PLEC c.133G>A (p.Gly45Ser) results in a non-conservative amino acid change in the encoded protein sequence. Algorithms developed to predict the effect of missense changes on protein structure and function are either unavailable or do not agree on the potential impact of this missense change. The variant allele was found at a frequency of 0.00018 in 242430 control chromosomes. This frequency is not significantly higher than estimated for disease-causing variants in PLEC, allowing no conclusion about variant significance. To our knowledge, no occurrence of c.133G>A in individuals affected with PLEC-related conditions and no experimental evidence demonstrating its impact on protein function have been reported. ClinVar contains an entry for this variant (Variation ID: 129932). Based on the evidence outlined above, the variant was classified as uncertain significance.

Labcorp Genetics (formerly Invitae), Labcorp
Classification: Likely benign for Autosomal recessive limb-girdle muscular dystrophy type 2Q; Epidermolysis bullosa simplex, Ogna type; Epidermolysis bullosa simplex with nail dystrophy; Epidermolysis bullosa simplex 5C, with pyloric atresia; Epidermolysis bullosa simplex 5B, with muscular dystrophy. Last evaluated: 2025-12-01. Review status: criteria provided, single submitter. Criteria: Invitae Variant Classification Sherloc (09022015). Collection method: clinical testing. Allele origin: germline.

PreventionGenetics, part of Exact Sciences
Classification: Likely benign for PLEC-related condition. Last evaluated: 2024-11-09. Review status: criteria provided, single submitter. Criteria: ACMG Guidelines, 2015. Collection method: clinical testing. Allele origin: germline.
Comment: This variant is classified as likely benign based on ACMG/AMP sequence variant interpretation guidelines (Richards et al. 2015 PMID: 25741868, with internal and published modifications).

GeneDx
Classification: Likely benign. Last evaluated: 2019-07-25. Review status: criteria provided, single submitter. Criteria: GeneDx Variant Classification Process June 2021. Collection method: clinical testing. Allele origin: germline. Affected: yes.

Athena Diagnostics
Classification: Likely benign. Last evaluated: 2019-01-10. Review status: criteria provided, single submitter. Criteria: Athena Diagnostics Criteria. Collection method: clinical testing. Allele origin: germline.

Eurofins Ntd Llc (ga)
Classification: Uncertain significance. Last evaluated: 2017-06-14. Review status: criteria provided, single submitter. Criteria: EGL Classification Definitions 2015. Collection method: clinical testing. Allele origin: germline. Observed: 2 variant alleles, 2 heterozygotes.

Genetic Services Laboratory, University of Chicago
Classification: Likely benign for AllHighlyPenetrant. Review status: no assertion criteria provided. Collection method: clinical testing. Allele origin: germline. Inheritance: Autosomal recessive inheritance. Not counted in ClinVar's aggregate classification.
Comment: Likely benign based on allele frequency in 1000 Genomes Project or ESP global frequency and its presence in a patient with a rare or unrelated disease phenotype. NOT Sanger confirmed.

NM_000445.5(PLEC):c.133G>A (p.Gly45Ser)

Gene: PLEC (plectin; minus strand). Cytogenetic location: 8q24.3.
Variant type: single nucleotide variant.
Coding change: c.133G>A on transcript NM_000445.5; coding-DNA position 133, G replaced by A.
Protein change: p.Gly45Ser; replaces glycine 45 with serine.
Molecular consequence: missense variant.
Genome position (GRCh38, 1-based): chr8:143,975,237, C>T on the plus strand (G>A on the coding strand, the complement: PLEC is on the minus strand). VCF-style: chr8-143975237-C-T. GRCh37 (hg19) VCF-style: chr8-145049405-C-T.
Other names: c.133G>A, p.Gly45Ser (NM_001410941.1); short protein forms G45S.
Identifiers: ClinVar variation 129932 (VCV000129932.23), dbSNP rs201820569, ClinGen allele CA154434.